The following is an entry in ClinVar:

NM_006904.7(PRKDC):c.10049A>T (p.Glu3350Val)

Gene: PRKDC (protein kinase, DNA-activated, catalytic subunit; minus strand). Cytogenetic location: 8q11.21.
Variant type: single nucleotide variant.
Coding change: c.10049A>T on transcript NM_006904.7 (MANE Select); coding-DNA position 10049, A replaced by T.
Protein change: p.Glu3350Val; replaces glutamic acid 3350 with valine.
Molecular consequence: missense variant.
Genome position (GRCh38, 1-based): chr8:47,800,860, T>A on the plus strand (A>T on the coding strand, the complement: PRKDC is on the minus strand). VCF-style: chr8-47800860-T-A. GRCh37 (hg19) VCF-style: chr8-48713421-T-A.
Other names: c.10049A>T, p.Glu3350Val (NM_001081640.2); short protein forms E3350V.
Identifiers: ClinVar variation 3225697 (VCV003225697.1), dbSNP rs2551862955, ClinGen allele CA371135691.

ClinVar aggregate classification (germline): Uncertain significance (1 of 4 stars; one submission).

Submission:

Ambry Genetics
Classification: Uncertain significance. Last evaluated: 2023-10-21. Review status: criteria provided, single submitter. Criteria: Ambry Variant Classification Scheme 2023. Collection method: clinical testing. Allele origin: germline.
Comment: The p.E3350V variant (also known as c.10049A>T), located in coding exon 71 of the PRKDC gene, results from an A to T substitution at nucleotide position 10049. The glutamic acid at codon 3350 is replaced by valine, an amino acid with dissimilar properties. This amino acid position is conserved. In addition, this alteration is predicted to be tolerated by in silico analysis. Since supporting evidence is limited at this time, the clinical significance of this alteration remains unclear.